The following is an entry in ClinVar:

ClinVar aggregate classification (germline): Uncertain significance (1 of 4 stars; one submission).

Conditions:
Early-infantile DEE. Also called: Ohtahara syndrome; Early infantile epileptic encephalopathy with suppression bursts; Early infantile epileptic encephalopathy. Identifiers: Orphanet 1934, MedGen C0393706, MONDO:0800491.

Submission:

Labcorp Genetics (formerly Invitae), Labcorp
Classification: Uncertain significance for Early-infantile DEE. Last evaluated: 2019-06-04. Review status: criteria provided, single submitter. Criteria: Invitae Variant Classification Sherloc (09022015). Collection method: clinical testing. Allele origin: germline.
Comment: In summary, the available evidence is currently insufficient to determine the role of this variant in disease. Therefore, it has been classified as a Variant of Uncertain Significance. Algorithms developed to predict the effect of missense changes on protein structure and function are either unavailable or do not agree on the potential impact of this missense change (SIFT: "Deleterious"; PolyPhen-2: "Benign"; Align-GVGD: "Class C65"). This variant has not been reported in the literature in individuals with SCN1A-related conditions. This variant is not present in population databases (ExAC no frequency). This sequence change replaces leucine with arginine at codon 133 of the SCN1A protein (p.Leu133Arg). The leucine residue is highly conserved and there is a moderate physicochemical difference between leucine and arginine.

NM_001165963.4(SCN1A):c.398T>G (p.Leu133Arg)

Gene: SCN1A (sodium voltage-gated channel alpha subunit 1; minus strand). Cytogenetic location: 2q24.3.
Variant type: single nucleotide variant.
Coding change: c.398T>G on transcript NM_001165963.4 (MANE Select); coding-DNA position 398, T replaced by G.
Protein change: p.Leu133Arg; replaces leucine 133 with arginine.
Molecular consequence: missense variant. On other transcripts: 5 prime UTR variant (1), non-coding transcript variant (1).
Genome position (GRCh38, 1-based): chr2:166,056,486, A>C on the plus strand (T>G on the coding strand, the complement: SCN1A is on the minus strand). VCF-style: chr2-166056486-A-C. GRCh37 (hg19) VCF-style: chr2-166912996-A-C.
Other names: c.398T>G, p.Leu133Arg (NM_001165964.3, NM_001202435.3, NM_001353948.2 and 10 more transcripts); c.-2028T>G (NM_001353961.2); short protein forms L133R.
Identifiers: ClinVar variation 854095 (VCV000854095.10), dbSNP rs1131691440, ClinGen allele CA349076122.